The following is an entry in ClinVar:

ClinVar aggregate classification (germline): Uncertain significance. Review status: criteria provided, multiple submitters, no conflicts (2 of 4 stars). 3 submissions from 3 submitters: Uncertain significance (3). Last evaluated 2023-12-05.

Conditions:
Hereditary cancer-predisposing syndrome. Also called: Tumor predisposition; Neoplastic Syndromes, Hereditary; Hereditary Cancer Syndrome; Hereditary neoplastic syndrome. Identifiers: Orphanet 140162, MedGen C0027672, MeSH D009386, MONDO:0015356.
Ataxia-telangiectasia syndrome (AT). Also called: Ataxia-telangiectasia; Ataxia-telangiectasia, complementation group D; AT, COMPLEMENTATION GROUP C; LOUIS-BAR SYNDROME; Cerebello-oculocutaneous telangiectasia; Immunodeficiency with ataxia telangiectasia. Identifiers: Orphanet 100, MedGen C0004135, MONDO:0008840, OMIM 208900.

Submissions (3):

Color Diagnostics, LLC DBA Color Health
Classification: Uncertain significance for Hereditary cancer-predisposing syndrome. Last evaluated: 2023-12-05. Review status: criteria provided, single submitter. Criteria: ACMG Guidelines, 2015. Collection method: clinical testing. Allele origin: germline.
Comment: This missense variant replaces histidine with glutamine at codon 1213 of the ATM protein. Computational prediction suggests that this variant may not impact protein structure and function (internally defined REVEL score threshold <= 0.5, PMID: 27666373). To our knowledge, functional studies have not been reported for this variant. This variant has not been reported in individuals affected with ATM-related disorders in the literature. This variant has not been identified in the general population by the Genome Aggregation Database (gnomAD). The available evidence is insufficient to determine the role of this variant in disease conclusively. Therefore, this variant is classified as a Variant of Uncertain Significance.

Ambry Genetics
Classification: Uncertain significance for Hereditary cancer-predisposing syndrome. Last evaluated: 2023-03-24. Review status: criteria provided, single submitter. Criteria: Ambry Variant Classification Scheme 2023. Collection method: clinical testing. Allele origin: germline.
Comment: The p.H1213Q variant (also known as c.3639T>G), located in coding exon 24 of the ATM gene, results from a T to G substitution at nucleotide position 3639. The histidine at codon 1213 is replaced by glutamine, an amino acid with highly similar properties. This amino acid position is conserved. In addition, this alteration is predicted to be deleterious by in silico analysis. Since supporting evidence is limited at this time, the clinical significance of this alteration remains unclear.

Labcorp Genetics (formerly Invitae), Labcorp
Classification: Uncertain significance for Ataxia-telangiectasia syndrome. Last evaluated: 2022-09-04. Review status: criteria provided, single submitter. Criteria: Invitae Variant Classification Sherloc (09022015). Collection method: clinical testing. Allele origin: germline.
Comment: This sequence change replaces histidine, which is basic and polar, with glutamine, which is neutral and polar, at codon 1213 of the ATM protein (p.His1213Gln). This variant is not present in population databases (gnomAD no frequency). This variant has not been reported in the literature in individuals affected with ATM-related conditions. ClinVar contains an entry for this variant (Variation ID: 490542). Advanced modeling of protein sequence and biophysical properties (such as structural, functional, and spatial information, amino acid conservation, physicochemical variation, residue mobility, and thermodynamic stability) performed at Invitae indicates that this missense variant is not expected to disrupt ATM protein function. Algorithms developed to predict the effect of sequence changes on RNA splicing suggest that this variant may create or strengthen a splice site. In summary, the available evidence is currently insufficient to determine the role of this variant in disease. Therefore, it has been classified as a Variant of Uncertain Significance.

NM_000051.4(ATM):c.3639T>G (p.His1213Gln)

Gene: ATM (ATM serine/threonine kinase; plus strand). Cytogenetic location: 11q22.3.
Variant type: single nucleotide variant.
Coding change: c.3639T>G on transcript NM_000051.4 (MANE Select); coding-DNA position 3639, T replaced by G.
Protein change: p.His1213Gln; replaces histidine 1213 with glutamine.
Molecular consequence: missense variant.
Genome position (GRCh38, 1-based): chr11:108,282,772, T>G. VCF-style: chr11-108282772-T-G. GRCh37 (hg19) VCF-style: chr11-108153499-T-G.
Other names: c.3639T>G, p.His1213Gln (NM_001351834.2); short protein forms H1213Q.
Identifiers: ClinVar variation 490542 (VCV000490542.12), dbSNP rs142766756, ClinGen allele CA382522909.